The following is an entry in ClinVar:

ClinVar aggregate classification (germline): Pathogenic (1 of 4 stars; one submission).

Conditions:
3-methylglutaconic aciduria, type VIIB (MGCA7B). Also called: CLPB Deficiency; 3-methylglutaconic aciduria with cataracts, neurologic involvement and neutropenia; 3-methylglutaconic aciduria, type VII, with cataracts, neurologic involvement and neutropenia. Identifiers: Orphanet 445038, MedGen C5676893, MONDO:0014561, OMIM 616271.

Submission:

Labcorp Genetics (formerly Invitae), Labcorp
Classification: Pathogenic for 3-methylglutaconic aciduria, type VIIB. Last evaluated: 2023-07-27. Review status: criteria provided, single submitter. Criteria: Invitae Variant Classification Sherloc (09022015). Collection method: clinical testing. Allele origin: germline.
Comment: This sequence change creates a premature translational stop signal (p.Asp478Glufs*15) in the CLPB gene. It is expected to result in an absent or disrupted protein product. Loss-of-function variants in CLPB are known to be pathogenic (PMID: 25597510, 28687938). This variant is not present in population databases (gnomAD no frequency). This variant has not been reported in the literature in individuals affected with CLPB-related conditions. For these reasons, this variant has been classified as Pathogenic.

Literature cited by the submitters: PubMed 25597510; PubMed 28687938.

NM_001258392.3(CLPB):c.1341_1344del (p.Asp448fs)

Gene: CLPB (ClpB family mitochondrial disaggregase; minus strand). Cytogenetic location: 11q13.4.
Variant type: Deletion.
Coding change: c.1341_1344del on transcript NM_001258392.3 (MANE Select); coding-DNA positions 1341 to 1344, 4 bases deleted (AGAT; older notation c.1341_1344delAGAT).
Protein change: p.Asp448fs; shifts the reading frame from aspartic acid 448.
Molecular consequence: frameshift variant.
Genome position (GRCh38, 1-based): chr11:72,295,634-72,295,637, ATCT deleted on the plus strand (AGAT on the coding strand, the reverse complement: CLPB is on the minus strand). VCF-style (leftmost placement, unchanged base first): chr11-72295633-CATCT-C. GRCh37 (hg19) VCF-style: chr11-72006677-CATCT-C.
Other names: c.1254_1257del, p.Asp419fs (NM_001258393.3); c.1296_1299del, p.Asp433fs (NM_001258394.3); c.1431_1434del, p.Asp478fs (NM_030813.6); short protein forms D433fs, D478fs, D419fs, D448fs.
Identifiers: ClinVar variation 2809209 (VCV002809209.3), dbSNP rs2539323563, ClinGen allele CA2739270687.
Genomic context (GRCh38, chr11:72,295,633, plus strand): 5'-TGGCCACATTGGAGGTCATGATGAAGATGGCGTCCTTGCAATCAATGGTCTTCCCTTTTC[CATCT>C]GTCAGCCGGCCCTGGGAAGGGAAGGAAGGGAGTGTACAGTCAGGGAGCTATGTGCCTGGG-3'